The following is an entry in ClinVar:

ClinVar aggregate classification (germline): Benign. Review status: criteria provided, multiple submitters, no conflicts (2 of 4 stars). 3 submissions from 3 submitters: Benign (3). Last evaluated 2026-01-19.

Conditions:
Alzheimer disease. Also called: Alzheimer's disease; Presenile and senile dementia. Identifiers: Orphanet 1020, MedGen C0002395, MeSH D000544, MONDO:0004975, HP:0002511.

Allele frequency attached by ClinVar (database versions not stated): 1000 Genomes Project 30x 0.00141; 1000 Genomes Project 0.00160; ESP Exome Variant Server 0.00185; TOPMed 0.00215.
gnomAD v4.1: 611 of 1,614,022 alleles (0.038%); highest among the groups gnomAD compares: African/African-American, 0.7%; 2 homozygotes.

Submissions (3):

Labcorp Genetics (formerly Invitae), Labcorp
Classification: Benign for Alzheimer disease. Last evaluated: 2026-01-19. Review status: criteria provided, single submitter. Criteria: Invitae Variant Classification Sherloc (09022015). Collection method: clinical testing. Allele origin: germline.

Mayo Clinic Laboratories, Mayo Clinic
Classification: Benign. Last evaluated: 2024-10-18. Review status: criteria provided, single submitter. Criteria: ACMG Guidelines, 2015. Collection method: clinical testing. Allele origin: germline. Observed: 1 variant allele.
Comment: BS1, BS2, BP4, BP7

Athena Diagnostics
Classification: Benign. Last evaluated: 2017-10-30. Review status: criteria provided, single submitter. Criteria: Athena Diagnostics Criteria. Collection method: clinical testing. Allele origin: germline.

NM_000484.4(APP):c.2148C>A (p.Ile716=)

Gene: APP (amyloid beta precursor protein; minus strand). Cytogenetic location: 21q21.3.
Variant type: single nucleotide variant.
Coding change: c.2148C>A on transcript NM_000484.4 (MANE Select); coding-DNA position 2148, C replaced by A.
Protein change: p.Ile716=; no amino-acid change (isoleucine 716 retained).
Molecular consequence: synonymous variant.
Genome position (GRCh38, 1-based): chr21:25,891,785, G>T on the plus strand (C>A on the coding strand, the complement: APP is on the minus strand). VCF-style: chr21-25891785-G-T. GRCh37 (hg19) VCF-style: chr21-27264097-G-T.
Other names: p.Ile716=; c.2076C>A, p.Ile692= (NM_001136016.3); c.1755C>A, p.Ile585= (NM_001136129.3); c.1980C>A, p.Ile660= (NM_001136130.3, NM_001385253.1); c.1818C>A, p.Ile606= (NM_001136131.3); c.2094C>A, p.Ile698= (NM_001204301.2); c.2037C>A, p.Ile679= (NM_001204302.2); c.1869C>A, p.Ile623= (NM_001204303.2); and 2 more.
Identifiers: ClinVar variation 585432 (VCV000585432.16), dbSNP rs145564988, ClinGen allele CA9987049.